The following is an entry in ClinVar:

NM_198253.3(TERT):c.3252A>G (p.Arg1084=)

Gene: TERT (telomerase reverse transcriptase; minus strand). Cytogenetic location: 5p15.33.
Variant type: single nucleotide variant.
Coding change: c.3252A>G on transcript NM_198253.3 (MANE Select); coding-DNA position 3252, A replaced by G.
Protein change: p.Arg1084=; no amino-acid change (arginine 1084 retained).
Molecular consequence: synonymous variant. On other transcripts: non-coding transcript variant (2).
Genome position (GRCh38, 1-based): chr5:1,254,411, T>C on the plus strand (A>G on the coding strand, the complement: TERT is on the minus strand). VCF-style: chr5-1254411-T-C. GRCh37 (hg19) VCF-style: chr5-1254526-T-C.
Other names: c.3063A>G, p.Arg1021= (NM_001193376.3).
Identifiers: ClinVar variation 416282 (VCV000416282.17), dbSNP rs757638312, ClinGen allele CA3184243.

ClinVar aggregate classification (germline): Likely benign. Review status: criteria provided, multiple submitters, no conflicts (2 of 4 stars). 4 submissions from 4 submitters: Likely benign (3). 1 of the submissions does not count toward it. Last evaluated 2025-09-05.

Conditions:
Dyskeratosis congenita. Identifiers: Orphanet 1775, MedGen C0265965, MONDO:0015780.
TERT-related disorder. Also called: TERT-related condition; TERT-related disorders.
Idiopathic Pulmonary Fibrosis. Also called: Idiopathic fibrosing alveolitis, chronic form; idiopathic fibrosing alveolitis. Identifiers: Orphanet 2032, MedGen C1800706, MeSH D054990, MONDO:0800504.
Dyskeratosis congenita, autosomal dominant 2. Identifiers: MedGen C3151443, MONDO:0013521, OMIM 613989.

Allele frequency attached by ClinVar (database versions not stated): gnomAD 0.00001; ExAC 0.00002; gnomAD exomes 0.00002; TOPMed 0.00002.
gnomAD v4.1: 49 of 1,613,034 alleles (0.003%); highest among the groups gnomAD compares: Non-Finnish European, 0.0041%; no homozygotes.

Submissions (4):

Labcorp Genetics (formerly Invitae), Labcorp
Classification: Likely benign for Dyskeratosis congenita, autosomal dominant 2; Idiopathic Pulmonary Fibrosis. Last evaluated: 2025-09-05. Review status: criteria provided, single submitter. Criteria: Invitae Variant Classification Sherloc (09022015). Collection method: clinical testing. Allele origin: germline.

Blueprint Genetics
Classification: Likely benign. Last evaluated: 2023-10-25. Review status: criteria provided, single submitter. Criteria: ACMG Guidelines, 2015. Collection method: clinical testing. Allele origin: germline.

Ambry Genetics
Classification: Likely benign for Dyskeratosis congenita. Last evaluated: 2022-03-29. Review status: criteria provided, single submitter. Criteria: Ambry Variant Classification Scheme 2023. Collection method: clinical testing. Allele origin: germline.

PreventionGenetics, part of Exact Sciences
Classification: Likely benign for TERT-related condition. Last evaluated: 2023-03-08. Review status: no assertion criteria provided. Collection method: clinical testing. Allele origin: germline. Not counted in ClinVar's aggregate classification.
Comment: This variant is classified as likely benign based on ACMG/AMP sequence variant interpretation guidelines (Richards et al. 2015 PMID: 25741868, with internal and published modifications).